The following is an entry in ClinVar:

NM_197968.4(ZMYM2):c.2119+7del

Gene: ZMYM2 (zinc finger MYM-type containing 2; plus strand). Cytogenetic location: 13q12.11.
Variant type: Deletion.
Coding change: c.2119+7del on transcript NM_197968.4 (MANE Select); 7 bases into the intron after coding-DNA position 2119, one base deleted (T; older notation c.2119+7delT).
Molecular consequence: intron variant.
Genome position (GRCh38, 1-based): chr13:20,034,411, T deleted; the last of 2 consecutive T bases (chr13:20,034,410-20,034,411); deleting either gives the same sequence. VCF-style (leftmost placement, unchanged base first): chr13-20034409-GT-G. GRCh37 (hg19) VCF-style: chr13-20608549-GT-G.
Other names: c.1858+7del (NM_001353163.2); c.2119+7del (NM_001353157.2, NM_001353164.2, NM_001353159.2 and 5 more transcripts); c.1924+7del (NM_001353161.3).
Identifiers: ClinVar variation 4998986 (VCV004998986.1).

ClinVar aggregate classification (germline): Likely benign (1 of 4 stars; one submission).

Conditions:
ZMYM2-related disorder. Also called: ZMYM2-related condition.

Submission:

PreventionGenetics, part of Exact Sciences
Classification: Likely benign for ZMYM2-related condition. Last evaluated: 2025-12-15. Review status: criteria provided, single submitter. Criteria: ACMG Guidelines, 2015. Collection method: clinical testing. Allele origin: germline.
Comment: This variant is classified as likely benign based on ACMG/AMP sequence variant interpretation guidelines (Richards et al. 2015 PMID: 25741868, with internal and published modifications).